The following is an entry in ClinVar:

NM_000603.5(NOS3):c.1610A>C (p.Gln537Pro)

Genes: NOS3 (nitric oxide synthase 3; plus strand), LOC126860224 (CDK7 strongly-dependent group 2 enhancer GRCh37_chr7:150698330-150699529; plus strand). Cytogenetic location: 7q36.1.
Variant type: single nucleotide variant.
Coding change: c.1610A>C on transcript NM_000603.5 (MANE Select); coding-DNA position 1610, A replaced by C.
Protein change: p.Gln537Pro; replaces glutamine 537 with proline.
Molecular consequence: missense variant.
Genome position (GRCh38, 1-based): chr7:151,001,928, A>C. VCF-style: chr7-151001928-A-C. GRCh37 (hg19) VCF-style: chr7-150699016-A-C.
Other names: c.1610A>C, p.Gln537Pro (NM_001160109.2, NM_001160110.1, NM_001160111.1); short protein forms Q537P.
Identifiers: ClinVar variation 5007179 (VCV005007179.2).

ClinVar aggregate classification (germline): Uncertain significance (1 of 4 stars; one submission).

Conditions:
Preeclampsia/eclampsia 1 (PEE1). Identifiers: MedGen C5574918, MONDO:0100467, OMIM 189800.
Essential hypertension, genetic (EHT). Identifiers: MedGen CN305331, MONDO:0007781, OMIM 145500.
Alzheimer disease type 1 (AD1). Also called: ALZHEIMER DISEASE, FAMILIAL, 1; ALZHEIMER DISEASE, FAMILIAL, 1, AUTOSOMAL RECESSIVE. Identifiers: MedGen C1863052, MONDO:0007088, OMIM 104300.
Ischemic stroke. Also called: Ischemic stroke, susceptibility to; CEREBROVASCULAR ACCIDENT. Identifiers: MedGen C0948008, MONDO:1060198, OMIM 601367, HP:0002140.

Submission:

Juno Genomics, Hangzhou Juno Genomics, Inc
Classification: Uncertain significance for Alzheimer disease type 1; Preeclampsia/eclampsia 1; Essential hypertension, genetic; Ischemic stroke. Review status: criteria provided, single submitter. Criteria: ACMG Guidelines, 2015. Collection method: clinical testing. Allele origin: germline.
Comment: Absent from controls (or at extremely low frequency if recessive) in Genome Aggregation Database.